The following is an entry in ClinVar:

NM_006516.4(SLC2A1):c.812C>T (p.Pro271Leu)

Gene: SLC2A1 (solute carrier family 2 member 1; minus strand). Cytogenetic location: 1p34.2.
Variant type: single nucleotide variant.
Coding change: c.812C>T on transcript NM_006516.4 (MANE Select); coding-DNA position 812, C replaced by T.
Protein change: p.Pro271Leu; replaces proline 271 with leucine.
Molecular consequence: missense variant.
Genome position (GRCh38, 1-based): chr1:42,929,648, G>A on the plus strand (C>T on the coding strand, the complement: SLC2A1 is on the minus strand). VCF-style: chr1-42929648-G-A. GRCh37 (hg19) VCF-style: chr1-43395319-G-A.
Other names: short protein forms P271L.
Identifiers: ClinVar variation 969233 (VCV000969233.10), dbSNP rs1557645879, ClinGen allele CA339957479.
Genomic context (GRCh38, chr1:42,929,648, plus strand): 5'-CTCACAGCGTTGATGCCAGACAGCTGCTGGGACAGCTGCAGCACCACAGCGATGAGGATG[G>A]GCTGGCGGTAGGCGGGGGAGCGGAACAGCTCCAGGATGGTGACCTTCTTCTCCCGCATCA-3'
Protein context (NP_006507.2, residues 261-281): ELFRSPAYRQ[Pro271Leu]ILIAVVLQLS

ClinVar aggregate classification (germline): Uncertain significance (1 of 4 stars; one submission).

Conditions:
GLUT1 deficiency syndrome 1, autosomal recessive. Identifiers: MedGen C3149117.

Allele frequency attached by ClinVar (database versions not stated): gnomAD exomes below 0.00001.
gnomAD v4.1: 1 of 1,613,832 alleles (0.000062%); highest among the groups gnomAD compares: Non-Finnish European, 0.000085%; no homozygotes.

Submission:

Labcorp Genetics (formerly Invitae), Labcorp
Classification: Uncertain significance for GLUT1 deficiency syndrome 1, autosomal recessive. Last evaluated: 2022-09-01. Review status: criteria provided, single submitter. Criteria: Invitae Variant Classification Sherloc (09022015). Collection method: clinical testing. Allele origin: germline.
Comment: In summary, the available evidence is currently insufficient to determine the role of this variant in disease. Therefore, it has been classified as a Variant of Uncertain Significance. Advanced modeling of protein sequence and biophysical properties (such as structural, functional, and spatial information, amino acid conservation, physicochemical variation, residue mobility, and thermodynamic stability) performed at Invitae indicates that this missense variant is expected to disrupt SLC2A1 protein function. ClinVar contains an entry for this variant (Variation ID: 969233). This variant has not been reported in the literature in individuals affected with SLC2A1-related conditions. This variant is not present in population databases (gnomAD no frequency). This sequence change replaces proline, which is neutral and non-polar, with leucine, which is neutral and non-polar, at codon 271 of the SLC2A1 protein (p.Pro271Leu).